The following is an entry in ClinVar:

NM_025114.4(CEP290):c.6516del (p.Lys2172fs)

Gene: CEP290 (centrosomal protein 290; minus strand). Cytogenetic location: 12q21.32.
Variant type: Deletion.
Coding change: c.6516del on transcript NM_025114.4 (MANE Select); coding-DNA position 6516, one base deleted (A; older notation c.6516delA).
Protein change: p.Lys2172fs; shifts the reading frame from lysine 2172.
Molecular consequence: frameshift variant.
Genome position (GRCh38, 1-based): chr12:88,060,836, T deleted on the plus strand (A on the coding strand, the reverse complement: CEP290 is on the minus strand); the first of 5 consecutive T bases (chr12:88,060,836-88,060,840); deleting any one gives the same sequence. VCF-style (leftmost placement, unchanged base first): chr12-88060835-AT-A. GRCh37 (hg19) VCF-style: chr12-88454612-AT-A.
Other names: short protein forms K2172fs.
Identifiers: ClinVar variation 374598 (VCV000374598.54), dbSNP rs1057519165, ClinGen allele CA16043809.

ClinVar aggregate classification (germline): Pathogenic/Likely pathogenic. Review status: criteria provided, multiple submitters, no conflicts (2 of 4 stars). 7 submissions from 7 submitters: Pathogenic (2); Likely pathogenic (5). Last evaluated 2025-09-17.

Conditions:
Nephronophthisis. Also called: Juvenile Nephronophthisis. Identifiers: Orphanet 655, MedGen C0687120, MONDO:0019005, HP:0000090.
Meckel-Gruber syndrome. Also called: Dysencephalia splachnocystica; DYSENCEPHALIA SPLANCHNOCYSTICA; GRUBER SYNDROME. Identifiers: Orphanet 564, MedGen C0265215, MONDO:0018921.
Joubert syndrome. Also called: Familial aplasia of the vermis; JOUBERT-BOLTSHAUSER SYNDROME. Identifiers: Orphanet 475, MedGen C5979921, MONDO:0018772.
Bardet-Biedl syndrome 14 (BBS14). Identifiers: Orphanet 110, MedGen C2673874, MONDO:0014442, OMIM 615991.
Joubert syndrome 5 (JBTS5). Identifiers: Orphanet 2318, MedGen C1857780, MONDO:0012432, OMIM 610188.
Senior-Loken syndrome 6 (SLSN6). Identifiers: Orphanet 3156, MedGen C1857779, MONDO:0012433, OMIM 610189.
Leber congenital amaurosis 10 (LCA10). Identifiers: Orphanet 65, MedGen C1857821, MONDO:0012723, OMIM 611755.
Meckel syndrome, type 4 (MKS4). Also called: MECKEL-GRUBER SYNDROME, TYPE 4. Identifiers: Orphanet 564, MedGen C1970161, MONDO:0012626, OMIM 611134.
Retinal dystrophy. Also called: Inherited retinal dystrophy. Identifiers: Orphanet 71862, MedGen C0854723, MeSH D058499, MONDO:0019118, HP:0000556.
Leber congenital amaurosis (LCA). Also called: Leber's amaurosis. Identifiers: Orphanet 65, MedGen C0339527, MeSH D057130, MONDO:0018998.

Submissions (7):

Natera, Inc.
Classification: Likely pathogenic for Leber congenital amaurosis. Last evaluated: 2025-09-17. Review status: criteria provided, single submitter. Criteria: Natera Variant Classification Schema (03/2026). Collection method: clinical testing. Allele origin: germline.
Comment: The c.6516del variant in CEP290 is a frameshift variant predicted to shift the reading frame beginning at codon 2172 and leads to a stop codon 2 codons downstream. This variant is expected to result in nonsense mediated decay, truncation, or a dysfunctional protein product. This variant is rare in the general population with a frequency below the threshold expected for the associated phenotype(s). Given the available evidence, this variant is classified as Likely Pathogenic.

Fulgent Genetics
Classification: Likely pathogenic for Joubert syndrome 5; Senior-Loken syndrome 6; Meckel syndrome, type 4; Leber congenital amaurosis 10; Bardet-Biedl syndrome 14. Last evaluated: 2024-05-30. Review status: criteria provided, single submitter. Criteria: ACMG Guidelines, 2015. Collection method: clinical testing. Allele origin: germline.

Baylor Genetics
Classification: Likely pathogenic for Bardet-Biedl syndrome 14. Last evaluated: 2024-02-07. Review status: criteria provided, single submitter. Criteria: ACMG Guidelines, 2015. Collection method: clinical testing. Allele origin: unknown.

GeneDx
Classification: Likely pathogenic. Last evaluated: 2023-05-01. Review status: criteria provided, single submitter. Criteria: GeneDx Variant Classification Process June 2021. Collection method: clinical testing. Allele origin: germline. Affected: yes.
Comment: Observed with another variant in individual with obesity in published literature (Kleinendorst et al., 2018). It is unclear if the variants are on the same chromosome (in cis) or on opposite chromosomes (in trans); Observed in family with multiple patients with retinal dystrophy in published literature (Weisschuh et al., 2020); Frameshift variant predicted to result in protein truncation or nonsense mediated decay in a gene for which loss of function is a known mechanism of disease; Not observed at significant frequency in large population cohorts (gnomAD); This variant is associated with the following publications: (PMID: 29970488, 32531858)

Labcorp Genetics (formerly Invitae), Labcorp
Classification: Pathogenic for Joubert syndrome; Meckel-Gruber syndrome; Nephronophthisis. Last evaluated: 2022-10-17. Review status: criteria provided, single submitter. Criteria: Invitae Variant Classification Sherloc (09022015). Collection method: clinical testing. Allele origin: germline.
Comment: For these reasons, this variant has been classified as Pathogenic. This sequence change creates a premature translational stop signal (p.Lys2172Asnfs*2) in the CEP290 gene. It is expected to result in an absent or disrupted protein product. Loss-of-function variants in CEP290 are known to be pathogenic (PMID: 16909394, 17345604, 20690115). This variant is not present in population databases (gnomAD no frequency). This premature translational stop signal has been observed in individual(s) with clinical features of CEP290-related conditions (PMID: 29970488). ClinVar contains an entry for this variant (Variation ID: 374598).

Institute of Human Genetics, Univ. Regensburg, Univ. Regensburg
Classification: Pathogenic for Retinal dystrophy. Last evaluated: 2021-01-01. Review status: criteria provided, single submitter. Criteria: ACMG Guidelines, 2015. Collection method: clinical testing. Allele origin: germline. Affected: yes.

CeGaT Center for Human Genetics Tuebingen
Classification: Likely pathogenic. Last evaluated: 2016-07-01. Review status: criteria provided, single submitter. Criteria: CeGaT Center For Human Genetics Tuebingen Variant Classification Criteria Version 2. Collection method: clinical testing. Allele origin: germline. Affected: yes. Observed: 1 variant allele.

Literature cited by the submitters: PubMed 16909394 (cited by Labcorp Genetics (formerly Invitae), Labcorp); PubMed 17345604 (cited by Labcorp Genetics (formerly Invitae), Labcorp); PubMed 20690115 (cited by Labcorp Genetics (formerly Invitae), Labcorp); PubMed 29970488 (cited by Labcorp Genetics (formerly Invitae), Labcorp and Institute of Human Genetics, Univ. Regensburg, Univ. Regensburg); PubMed 3253185 (cited by Institute of Human Genetics, Univ. Regensburg, Univ. Regensburg).